The following is an entry in ClinVar:

ClinVar aggregate classification (germline): Conflicting classifications of pathogenicity. Review status: criteria provided, conflicting classifications (1 of 4 stars). 2 submissions from 2 submitters: Uncertain significance (1); Likely benign (1). Last evaluated 2025-07-07.

Conditions:
TTN-related disorder. Also called: TTN-related disorders; TTN-related condition; TTN-related disease.
Cardiomyopathy (CMYO). Also called: Cardiomyopathies. Identifiers: Orphanet 167848, MedGen C0878544, MONDO:0004994, HP:0001638. Inheritance: Various modes of inheritance.

Allele frequency attached by ClinVar (database versions not stated): TOPMed 0.00003; gnomAD 0.00004.
gnomAD v4.1: 20 of 1,613,106 alleles (0.0012%); highest among the groups gnomAD compares: Middle Eastern, 0.016%; no homozygotes.

Submissions (2):

PreventionGenetics, part of Exact Sciences
Classification: Uncertain significance for TTN-related condition. Last evaluated: 2025-07-07. Review status: criteria provided, single submitter. Criteria: ACMG Guidelines, 2015. Collection method: clinical testing. Allele origin: germline.
Comment: The TTN c.63977A>G variant is predicted to result in the amino acid substitution p.His21326Arg. To our knowledge, this variant has not been reported in the literature. This variant is reported in 0.012% of alleles in individuals of African descent in gnomAD. At this time, the clinical significance of this variant is uncertain due to the absence of conclusive functional and genetic evidence.

CHEO Genetics Diagnostic Laboratory, Children's Hospital of Eastern Ontario
Classification: Likely benign for Cardiomyopathy. Last evaluated: 2022-07-06. Review status: criteria provided, single submitter. Criteria: ACMG Guidelines, 2015. Collection method: clinical testing. Allele origin: germline.

NM_001267550.2(TTN):c.63977A>G (p.His21326Arg)

Genes: TTN (titin; minus strand), TTN-AS1 (TTN antisense RNA 1; plus strand). Cytogenetic location: 2q31.2.
Variant type: single nucleotide variant.
Coding change: c.63977A>G on transcript NM_001267550.2 (MANE Select); coding-DNA position 63977, A replaced by G.
Protein change: p.His21326Arg; replaces histidine 21326 with arginine.
Molecular consequence: missense variant.
Genome position (GRCh38, 1-based): chr2:178,587,234, T>C on the plus strand (A>G on the coding strand, the complement: TTN is on the minus strand). VCF-style: chr2-178587234-T-C. GRCh37 (hg19) VCF-style: chr2-179451961-T-C.
Other names: c.59054A>G, p.His19685Arg (NM_001256850.1); c.36782A>G, p.His12261Arg (NM_003319.4); c.56273A>G, p.His18758Arg (NM_133378.4); c.37157A>G, p.His12386Arg (NM_133432.3); c.37358A>G, p.His12453Arg (NM_133437.4); short protein forms H12261R, H12386R, H12453R, H18758R, H19685R, H21326R.
Identifiers: ClinVar variation 2691094 (VCV002691094.2), dbSNP rs994982613, ClinGen allele CA60965053.